The following is an entry in ClinVar:

ClinVar aggregate classification (germline): Uncertain significance. Review status: criteria provided, multiple submitters, no conflicts (2 of 4 stars). 4 submissions from 4 submitters: Uncertain significance (4). Last evaluated 2025-08-25.

Conditions:
PNPT1-related disorder. Also called: PNPT1-related disorders; PNPT1-related condition.
Hereditary ataxia. Also called: Hereditary Ataxias. Identifiers: Orphanet 183518, MedGen C0004138, MONDO:0100309, MONDO:0000557.

Allele frequency attached by ClinVar (database versions not stated): ExAC 0.00001; gnomAD exomes 0.00001 and 0.00002.

Submissions (4):

Daryl Scott Lab, Baylor College of Medicine
Classification: Uncertain significance for PNPT1-related disorder. Last evaluated: 2025-08-25. Review status: criteria provided, single submitter. Criteria: ACMG Guidelines, 2015. Collection method: clinical testing. Allele origin: maternal. Affected: yes. Observed: 1 compound heterozygote.
Comment: PM2, PP3

PreventionGenetics, part of Exact Sciences
Classification: Uncertain significance for PNPT1-related condition. Last evaluated: 2025-06-21. Review status: criteria provided, single submitter. Criteria: ACMG Guidelines, 2015. Collection method: clinical testing. Allele origin: germline.
Comment: The PNPT1 c.297+2dupT variant is predicted to result in an intronic duplication. This variant is predicted to impact splicing based on available splicing prediction programs (SpliceAI, Jaganathan et al. 2019. PubMed ID: 30661751). To our knowledge, this variant has not been reported in the literature. This variant is reported in 0.0026% of alleles in individuals of European (Non-Finnish) descent in gnomAD. At this time, the clinical significance of this variant is uncertain due to the absence of conclusive functional and genetic evidence. To our knowledge, this variant has not been reported in the literature. This variant is reported in 0.0026% of alleles in individuals of European (Non-Finnish) descent in gnomAD. At this time, the clinical significance of this variant is uncertain due to the absence of conclusive functional and genetic evidence.

Labcorp Genetics (formerly Invitae), Labcorp
Classification: Uncertain significance. Last evaluated: 2024-04-17. Review status: criteria provided, single submitter. Criteria: Invitae Variant Classification Sherloc (09022015). Collection method: clinical testing. Allele origin: germline.
Comment: This sequence change falls in intron 3 of the PNPT1 gene. It does not directly change the encoded amino acid sequence of the PNPT1 protein. It affects a nucleotide within the consensus splice site. This variant is present in population databases (rs773634635, gnomAD 0.003%). This variant has not been reported in the literature in individuals affected with PNPT1-related conditions. ClinVar contains an entry for this variant (Variation ID: 1397737). Variants that disrupt the consensus splice site are a relatively common cause of aberrant splicing (PMID: 17576681, 9536098). Algorithms developed to predict the effect of sequence changes on RNA splicing suggest that this variant may disrupt the consensus splice site. In summary, the available evidence is currently insufficient to determine the role of this variant in disease. Therefore, it has been classified as a Variant of Uncertain Significance.

Cambridge Genomics Laboratory, East Genomic Laboratory Hub, NHS Genomic Medicine Service
Classification: Uncertain significance for Hereditary ataxia. Last evaluated: 2019-04-17. Review status: criteria provided, single submitter. Criteria: ACGS Best Practice Guidelines for Variant Classification in Rare Disease 2020. Collection method: clinical testing. Allele origin: germline. Affected: yes. Observed: 1 variant allele.

Literature cited by the submitters: PubMed 17576681 (cited by Labcorp Genetics (formerly Invitae), Labcorp); PubMed 9536098 (cited by Labcorp Genetics (formerly Invitae), Labcorp).

NM_033109.5(PNPT1):c.297+2dup

Gene: PNPT1 (polyribonucleotide nucleotidyltransferase 1; minus strand). Cytogenetic location: 2p16.1.
Variant type: Duplication.
Coding change: c.297+2dup on transcript NM_033109.5 (MANE Select); the canonical splice donor site of the intron after coding-DNA position 297, one base duplicated (T; older notation c.297+2dupT).
Molecular consequence: splice donor variant.
Genome position (GRCh38, 1-based): chr2:55,686,368, A duplicated on the plus strand (T on the coding strand, the reverse complement: PNPT1 is on the minus strand). VCF-style (leftmost placement, unchanged base first): chr2-55686367-T-TA. GRCh37 (hg19) VCF-style: chr2-55913502-T-TA.
Other names: c.297+2dupT (NM_033109.4).
Identifiers: ClinVar variation 1397737 (VCV001397737.8), dbSNP rs773634635, ClinGen allele CA1668564.